The following is an entry in ClinVar:

ClinVar aggregate classification (germline): Uncertain significance (1 of 4 stars; one submission).

Conditions:
Inborn genetic diseases. Identifiers: MedGen C0950123, MeSH D030342.

gnomAD v4.1: 1 of 1,613,624 alleles (0.000062%); highest among the groups gnomAD compares: Non-Finnish European, 0.000085%; no homozygotes.

Submission:

Ambry Genetics
Classification: Uncertain significance for Inborn genetic diseases. Last evaluated: 2025-07-07. Review status: criteria provided, single submitter. Criteria: Ambry Variant Classification Scheme 2023. Collection method: clinical testing. Allele origin: germline.
Comment: The p.T366S variant (also known as c.1097C>G), located in coding exon 9 of the CEP57 gene, results from a C to G substitution at nucleotide position 1097. The threonine at codon 366 is replaced by serine, an amino acid with similar properties. This amino acid position is conserved. In addition, this alteration is predicted to be tolerated by in silico analysis. Based on the available evidence, the clinical significance of this variant remains unclear.

NM_014679.5(CEP57):c.1097C>G (p.Thr366Ser)

Gene: CEP57 (centrosomal protein 57; plus strand). Cytogenetic location: 11q21.
Variant type: single nucleotide variant.
Coding change: c.1097C>G on transcript NM_014679.5 (MANE Select); coding-DNA position 1097, C replaced by G.
Protein change: p.Thr366Ser; replaces threonine 366 with serine.
Molecular consequence: missense variant.
Genome position (GRCh38, 1-based): chr11:95,827,997, C>G. VCF-style: chr11-95827997-C-G. GRCh37 (hg19) VCF-style: chr11-95561161-C-G.
Other names: c.1019C>G, p.Thr340Ser (NM_001243777.2); c.1016C>G, p.Thr339Ser (NM_001363604.2, NM_001440869.1, NM_001440870.1); c.989C>G, p.Thr330Ser (NM_001440871.1); c.980C>G, p.Thr327Ser (NM_001440872.1); c.917C>G, p.Thr306Ser (NM_001440873.1); c.911C>G, p.Thr304Ser (NM_001440874.1); c.908C>G, p.Thr303Ser (NM_001440875.1); c.902C>G, p.Thr301Ser (NM_001440876.1); and 6 more; short protein forms T265S, T267S, T303S, T306S, T291S, T300S, T301S, T339S.
Identifiers: ClinVar variation 4226345 (VCV004226345.1).
Genomic context (GRCh38, chr11:95,827,997, plus strand): 5'-TGTCAGTAACACCTCCCTCCTCCAACGGTATTAATGAGGAGTTGTCAGAAGTCTTACAGA[C>G]TTTACAGGATGAATTTGGGCAAATGAGCTTGTGAGTTTTTGTTTTTTTTTTTAAATTCAG-3'
Protein context (NP_055494.2, residues 356-376): INEELSEVLQ[Thr366Ser]LQDEFGQMSF